The following is an entry in ClinVar:

NM_001382422.1(EXOC3L2):c.169A>G (p.Thr57Ala)

Gene: EXOC3L2 (exocyst complex component 3 like 2; minus strand). Cytogenetic location: 19q13.32.
Variant type: single nucleotide variant.
Coding change: c.169A>G on transcript NM_001382422.1 (MANE Select); coding-DNA position 169, A replaced by G.
Protein change: p.Thr57Ala; replaces threonine 57 with alanine.
Molecular consequence: missense variant.
Genome position (GRCh38, 1-based): chr19:45,238,877, T>C on the plus strand (A>G on the coding strand, the complement: EXOC3L2 is on the minus strand). VCF-style: chr19-45238877-T-C. GRCh37 (hg19) VCF-style: chr19-45742135-T-C.
Other names: short protein forms T57A.
Identifiers: ClinVar variation 5008302 (VCV005008302.1).

ClinVar aggregate classification (germline): Uncertain significance (1 of 4 stars; one submission).

Submission:

GeneDx
Classification: Uncertain significance. Last evaluated: 2026-03-05. Review status: criteria provided, single submitter. Criteria: GeneDx Variant Classification Process June 2021. Collection method: clinical testing. Allele origin: germline.
Comment: No data available from control populations to assess the frequency of this variant; In silico analysis does not support a benign or deleterious effect of this variant on protein structure/function; Has not been previously published as pathogenic or benign to our knowledge; Reported using an alternate transcript of the gene